The following is an entry in ClinVar:

ClinVar aggregate classification (germline): Uncertain significance (1 of 4 stars; one submission).

gnomAD v4.1: 8 of 1,550,218 alleles (0.00052%); highest among the groups gnomAD compares: Non-Finnish European, 0.0007%; no homozygotes.

Submission:

GeneDx
Classification: Uncertain significance. Last evaluated: 2025-07-02. Review status: criteria provided, single submitter. Criteria: GeneDx Variant Classification Process June 2021. Collection method: clinical testing. Allele origin: germline. Affected: yes.
Comment: In silico analysis suggests that this missense variant does not alter protein structure/function; Has not been previously published as pathogenic or benign to our knowledge

NM_001378452.1(ITPR1):c.2465G>A (p.Ser822Asn)

Gene: ITPR1 (inositol 1,4,5-trisphosphate receptor type 1; plus strand). Cytogenetic location: 3p26.1.
Variant type: single nucleotide variant.
Coding change: c.2465G>A on transcript NM_001378452.1 (MANE Select); coding-DNA position 2465, G replaced by A.
Protein change: p.Ser822Asn; replaces serine 822 with asparagine.
Molecular consequence: missense variant.
Genome position (GRCh38, 1-based): chr3:4,674,210, G>A. VCF-style: chr3-4674210-G-A. GRCh37 (hg19) VCF-style: chr3-4715894-G-A.
Other names: c.2465G>A, p.Ser822Asn (NM_001099952.4); c.2420G>A, p.Ser807Asn (NM_001168272.2, NM_002222.7); short protein forms S807N, S822N.
Identifiers: ClinVar variation 4680937 (VCV004680937.1).